The following is an entry in ClinVar:

ClinVar aggregate classification (germline): Pathogenic (1 of 4 stars; one submission).

Conditions:
Hereditary cancer-predisposing syndrome. Also called: Neoplastic Syndromes, Hereditary; Tumor predisposition; Hereditary neoplastic syndrome; Hereditary Cancer Syndrome. Identifiers: Orphanet 140162, MedGen C0027672, MeSH D009386, MONDO:0015356.

Submission:

Ambry Genetics
Classification: Pathogenic for Hereditary cancer-predisposing syndrome. Last evaluated: 2026-07-22. Review status: criteria provided, single submitter. Criteria: Ambry Variant Classification Scheme 2023. Collection method: clinical testing. Allele origin: germline.
Comment: The p.W409* pathogenic mutation (also known as c.1227G>A), located in coding exon 13 of the MUTYH gene, results from a G to A substitution at nucleotide position 1227. This changes the amino acid from a tryptophan to a stop codon within coding exon 13. This variant is considered to be rare based on population cohorts in the Genome Aggregation Database (gnomAD). This alteration is expected to result in loss of function by premature protein truncation or nonsense-mediated mRNA decay. As such, this alteration is interpreted as a disease-causing mutation.

NM_001048174.2(MUTYH):c.1143G>A (p.Trp381Ter)

Gene: MUTYH (mutY DNA glycosylase; minus strand). Cytogenetic location: 1p34.1.
Variant type: single nucleotide variant.
Coding change: c.1143G>A on transcript NM_001048174.2 (MANE Select); coding-DNA position 1143, G replaced by A.
Protein change: p.Trp381Ter; replaces tryptophan 381 with a stop codon.
Molecular consequence: nonsense. On other transcripts: non-coding transcript variant (7).
Genome position (GRCh38, 1-based): chr1:45,331,516, C>T on the plus strand (G>A on the coding strand, the complement: MUTYH is on the minus strand). VCF-style: chr1-45331516-C-T. GRCh37 (hg19) VCF-style: chr1-45797188-C-T.
Other names: c.1143G>A, p.Trp381Ter (NM_001407073.1, NM_001407081.1, NM_001293195.2 and 6 more transcripts); c.1059G>A, p.Trp353Ter (NM_001407075.1); c.1176G>A, p.Trp392Ter (NM_001407077.1, NM_001407069.1, NM_001293191.2); c.1146G>A, p.Trp382Ter (NM_001407078.1, NM_001407071.1, NM_001407086.1 and 1 more transcripts); c.1104G>A, p.Trp368Ter (NM_001407079.1); c.1101G>A, p.Trp367Ter (NM_001407080.1); c.798G>A, p.Trp266Ter (NM_001407082.1, NM_001350650.2, NM_001350651.2); c.1185G>A, p.Trp395Ter (NM_001407083.1, NM_001407085.1); and 5 more; short protein forms W367*, W368*, W381*, W266*, W388*, W392*, W396*, W409*.
Identifiers: ClinVar variation 5024997 (VCV005024997.1).
Genomic context (GRCh38, chr1:45,331,516, plus strand): 5'-CCCAGCCCAACGCTGTAGTTCCTGCAGCAGGGCCTTGCGCTGAAGCTGCTCTGAGGGCTC[C>T]CAGGTCACGGACGGGAACTCCCACAGTCCTGCCAGCAGACCTGAGAGGGAGGGCAGCCAG-3'